The following is an entry in ClinVar:

ClinVar aggregate classification (germline): Uncertain significance (1 of 4 stars; one submission).

Conditions:
Arrhythmogenic right ventricular dysplasia 10. Also called: Arrhythmogenic right ventricular dysplasia/cardiomyopathy, type 10; Arrhythmogenic Right Ventricular Dysplasia/Cardiomyopathy10; ARRHYTHMOGENIC RIGHT VENTRICULAR DYSPLASIA, FAMILIAL, 10. Identifiers: MedGen C1857777, MONDO:0012434, OMIM 610193.

Submission:

Labcorp Genetics (formerly Invitae), Labcorp
Classification: Uncertain significance for Arrhythmogenic right ventricular dysplasia 10. Last evaluated: 2021-11-30. Review status: criteria provided, single submitter. Criteria: Invitae Variant Classification Sherloc (09022015). Collection method: clinical testing. Allele origin: germline.
Comment: This sequence change replaces arginine, which is basic and polar, with serine, which is neutral and polar, at codon 49 of the DSG2 protein (p.Arg49Ser). This variant is not present in population databases (gnomAD no frequency). This missense change has been observed in individual(s) with arrhythmogenic right ventricular cardiomyopathy (Invitae). ClinVar contains an entry for this variant (Variation ID: 466331). Algorithms developed to predict the effect of missense changes on protein structure and function (SIFT, PolyPhen-2, Align-GVGD) all suggest that this variant is likely to be disruptive. This variant disrupts the p.Arg49 amino acid residue in DSG2. Other variant(s) that disrupt this residue have been determined to be pathogenic (PMID: 16773573, 19151369). This suggests that this residue is clinically significant, and that variants that disrupt this residue are likely to be disease-causing. In summary, the available evidence is currently insufficient to determine the role of this variant in disease. Therefore, it has been classified as a Variant of Uncertain Significance.

Literature cited by the submitters: PubMed 16773573; PubMed 19151369.

NM_001943.5(DSG2):c.145C>A (p.Arg49Ser)

Gene: DSG2 (desmoglein 2; plus strand). Cytogenetic location: 18q12.1.
Variant type: single nucleotide variant.
Coding change: c.145C>A on transcript NM_001943.5 (MANE Select); coding-DNA position 145, C replaced by A.
Protein change: p.Arg49Ser; replaces arginine 49 with serine.
Molecular consequence: missense variant.
Genome position (GRCh38, 1-based): chr18:31,519,866, C>A. VCF-style: chr18-31519866-C-A. GRCh37 (hg19) VCF-style: chr18-29099829-C-A.
Other names: c.145C>A (LRG_397t1); short protein forms R49S.
Identifiers: ClinVar variation 466331 (VCV000466331.6), dbSNP rs762526848, ClinGen allele CA402130782.